The following is an entry in ClinVar:

ClinVar aggregate classification (germline): Conflicting classifications of pathogenicity. Review status: criteria provided, conflicting classifications (1 of 4 stars). 3 submissions from 3 submitters: Likely pathogenic (1); Uncertain significance (2). Last evaluated 2025-12-09.

Conditions:
Cardiovascular phenotype. Identifiers: MedGen CN230736.
Hereditary cancer-predisposing syndrome. Also called: Hereditary Cancer Syndrome; Neoplastic Syndromes, Hereditary; Tumor predisposition; Hereditary neoplastic syndrome. Identifiers: Orphanet 140162, MedGen C0027672, MeSH D009386, MONDO:0015356.

Submissions (3):

Labcorp Genetics (formerly Invitae), Labcorp
Classification: Uncertain significance. Last evaluated: 2025-12-09. Review status: criteria provided, single submitter. Criteria: Invitae Variant Classification Sherloc (09022015). Collection method: clinical testing. Allele origin: germline.
Comment: This sequence change replaces methionine, which is neutral and non-polar, with threonine, which is neutral and polar, at codon 400 of the LZTR1 protein (p.Met400Thr). This variant is not present in population databases (gnomAD no frequency). This variant has not been reported in the literature in individuals affected with LZTR1-related conditions. ClinVar contains an entry for this variant (Variation ID: 1746729). Invitae Evidence Modeling of protein sequence and biophysical properties (such as structural, functional, and spatial information, amino acid conservation, physicochemical variation, residue mobility, and thermodynamic stability) indicates that this missense variant is not expected to disrupt LZTR1 protein function with a negative predictive value of 80%. In summary, the available evidence is currently insufficient to determine the role of this variant in disease. Therefore, it has been classified as a Variant of Uncertain Significance.

Ambry Genetics
Classification: Uncertain significance for Cardiovascular phenotype; Hereditary cancer-predisposing syndrome. Last evaluated: 2025-03-10. Review status: criteria provided, single submitter. Criteria: Ambry Variant Classification Scheme 2023. Collection method: clinical testing. Allele origin: germline.
Comment: The p.M400T variant (also known as c.1199T>C), located in coding exon 11 of the LZTR1 gene, results from a T to C substitution at nucleotide position 1199. The methionine at codon 400 is replaced by threonine, an amino acid with similar properties. This amino acid position is conserved. In addition, this alteration is predicted to be deleterious by in silico analysis. Since supporting evidence is limited at this time, the clinical significance of this alteration remains unclear.

Center for Genomic Medicine, Rigshospitalet, Copenhagen University Hospital
Classification: Likely pathogenic. Last evaluated: 2025-03-04. Review status: criteria provided, single submitter. Criteria: ACMG Guidelines, 2015. Collection method: clinical testing. Allele origin: germline.

Literature cited by the submitters: PubMed 35695212 (cited by Center for Genomic Medicine, Rigshospitalet, Copenhagen University Hospital); PubMed 24362817 (cited by Center for Genomic Medicine, Rigshospitalet, Copenhagen University Hospital); PubMed 31128261 (cited by Center for Genomic Medicine, Rigshospitalet, Copenhagen University Hospital); PubMed 25335493 (cited by Center for Genomic Medicine, Rigshospitalet, Copenhagen University Hospital); PubMed 30481304 (cited by Center for Genomic Medicine, Rigshospitalet, Copenhagen University Hospital).

NM_006767.4(LZTR1):c.1199T>C (p.Met400Thr)

Gene: LZTR1 (leucine zipper like post translational regulator 1; plus strand). Cytogenetic location: 22q11.21.
Variant type: single nucleotide variant.
Coding change: c.1199T>C on transcript NM_006767.4 (MANE Select); coding-DNA position 1199, T replaced by C.
Protein change: p.Met400Thr; replaces methionine 400 with threonine.
Molecular consequence: missense variant.
Genome position (GRCh38, 1-based): chr22:20,992,843, T>C. VCF-style: chr22-20992843-T-C. GRCh37 (hg19) VCF-style: chr22-21347132-T-C.
Other names: short protein forms M400T.
Identifiers: ClinVar variation 1746729 (VCV001746729.7), dbSNP rs1468533120, ClinGen allele CA410773850.